The following is an entry in ClinVar:

NM_015192.4(PLCB1):c.3071A>G (p.Tyr1024Cys)

Gene: PLCB1 (phospholipase C beta 1; plus strand). Cytogenetic location: 20p12.3.
Variant type: single nucleotide variant.
Coding change: c.3071A>G on transcript NM_015192.4 (MANE Select); coding-DNA position 3071, A replaced by G.
Protein change: p.Tyr1024Cys; replaces tyrosine 1024 with cysteine.
Molecular consequence: missense variant.
Genome position (GRCh38, 1-based): chr20:8,774,679, A>G. VCF-style: chr20-8774679-A-G. GRCh37 (hg19) VCF-style: chr20-8755326-A-G.
Other names: c.3071A>G, p.Tyr1024Cys (NM_182734.3); short protein forms Y1024C.
Identifiers: ClinVar variation 1002971 (VCV001002971.9), dbSNP rs1982859175, ClinGen allele CA408209316.

ClinVar aggregate classification (germline): Uncertain significance (1 of 4 stars; one submission).

Conditions:
Developmental and epileptic encephalopathy, 12 (DEE12). Identifiers: MedGen C3150988, MONDO:0013389, OMIM 613722.

Submission:

Labcorp Genetics (formerly Invitae), Labcorp
Classification: Uncertain significance for Developmental and epileptic encephalopathy, 12. Last evaluated: 2020-09-09. Review status: criteria provided, single submitter. Criteria: Invitae Variant Classification Sherloc (09022015). Collection method: clinical testing. Allele origin: germline.
Comment: This sequence change replaces tyrosine with cysteine at codon 1024 of the PLCB1 protein (p.Tyr1024Cys). The tyrosine residue is highly conserved and there is a large physicochemical difference between tyrosine and cysteine. This variant is not present in population databases (ExAC no frequency). This variant has not been reported in the literature in individuals with PLCB1-related conditions. Algorithms developed to predict the effect of missense changes on protein structure and function are either unavailable or do not agree on the potential impact of this missense change (SIFT: "Deleterious"; PolyPhen-2: "Probably Damaging"; Align-GVGD: "Class C0"). In summary, the available evidence is currently insufficient to determine the role of this variant in disease. Therefore, it has been classified as a Variant of Uncertain Significance.